The following is an entry in ClinVar:

NM_002202.3(ISL1):c.1005T>C (p.Leu335=)

Gene: ISL1 (ISL LIM homeobox 1; plus strand). Cytogenetic location: 5q11.1.
Variant type: single nucleotide variant.
Coding change: c.1005T>C on transcript NM_002202.3 (MANE Select); coding-DNA position 1005, T replaced by C.
Protein change: p.Leu335=; no amino-acid change (leucine 335 retained).
Molecular consequence: synonymous variant.
Genome position (GRCh38, 1-based): chr5:51,393,565, T>C. VCF-style: chr5-51393565-T-C. GRCh37 (hg19) VCF-style: chr5-50689399-T-C.
Identifiers: ClinVar variation 3353590 (VCV003353590.1).
Genomic context (GRCh38, chr5:51,393,565, plus strand): 5'-AGAAGGAGGACCGGGCTCTAATTCCACTGGCAGTGAAGTAGCATCAATGTCCTCTCAACT[T>C]CCAGATACACCTAACAGCATGGTAGCCAGTCCTATTGAGGCATGAGGAACATTCATTCTG-3'
Protein context (NP_002193.2, residues 325-345): GSEVASMSSQ[Leu335=]PDTPNSMVAS

ClinVar aggregate classification (germline): Likely benign (0 of 4 stars; one submission).

Conditions:
ISL1-related disorder. Also called: ISL1-related condition.

Submission:

PreventionGenetics, part of Exact Sciences
Classification: Likely benign for ISL1-related condition. Last evaluated: 2022-05-26. Review status: no assertion criteria provided. Collection method: clinical testing. Allele origin: germline.
Comment: This variant is classified as likely benign based on ACMG/AMP sequence variant interpretation guidelines (Richards et al. 2015 PMID: 25741868, with internal and published modifications).